The following is an entry in ClinVar:

NM_001211.6(BUB1B):c.588C>G (p.Phe196Leu)

Gene: BUB1B (BUB1 mitotic checkpoint serine/threonine kinase B; plus strand). Cytogenetic location: 15q15.1.
Variant type: single nucleotide variant.
Coding change: c.588C>G on transcript NM_001211.6 (MANE Select); coding-DNA position 588, C replaced by G.
Protein change: p.Phe196Leu; replaces phenylalanine 196 with leucine.
Molecular consequence: missense variant.
Genome position (GRCh38, 1-based): chr15:40,183,720, C>G. VCF-style: chr15-40183720-C-G. GRCh37 (hg19) VCF-style: chr15-40475921-C-G.
Other names: short protein forms F196L.
Identifiers: ClinVar variation 4216960 (VCV004216960.1).
Genomic context (GRCh38, chr15:40,183,720, plus strand): 5'-AGTCTGGTAAAATAGTGGTCACCTCACTAAAAGTTGTGCATTCTGCTACTTTAGACAATT[C>G]CAAGCTCGAGTGTCTCGGCAAACTCTGTTGGCACTTGAGAAAGAAGAAGAGGAGGAAGTT-3'
Protein context (NP_001202.5, residues 186-206): LERLQSQHRQ[Phe196Leu]QARVSRQTLL

ClinVar aggregate classification (germline): Uncertain significance (1 of 4 stars; one submission).

Conditions:
Inborn genetic diseases. Identifiers: MedGen C0950123, MeSH D030342.

Submission:

Ambry Genetics
Classification: Uncertain significance for Inborn genetic diseases. Last evaluated: 2025-08-07. Review status: criteria provided, single submitter. Criteria: Ambry Variant Classification Scheme 2023. Collection method: clinical testing. Allele origin: germline.
Comment: The p.F196L variant (also known as c.588C>G), located in coding exon 6 of the BUB1B gene, results from a C to G substitution at nucleotide position 588. The phenylalanine at codon 196 is replaced by leucine, an amino acid with highly similar properties. This amino acid position is conserved. In addition, the in silico prediction for this alteration is inconclusive. Based on the available evidence, the clinical significance of this variant remains unclear.